The following is an entry in ClinVar:

NM_001372106.1(DNAH10):c.11010G>A (p.Leu3670=)

Gene: DNAH10 (dynein axonemal heavy chain 10; plus strand). Cytogenetic location: 12q24.31.
Variant type: single nucleotide variant.
Coding change: c.11010G>A on transcript NM_001372106.1 (MANE Select); coding-DNA position 11010, G replaced by A.
Protein change: p.Leu3670=; no amino-acid change (leucine 3670 retained).
Molecular consequence: synonymous variant.
Genome position (GRCh38, 1-based): chr12:123,917,591, G>A. VCF-style: chr12-123917591-G-A. GRCh37 (hg19) VCF-style: chr12-124402138-G-A.
Other names: c.10656G>A, p.Leu3552= (NM_001083900.1, NM_207437.3).
Identifiers: ClinVar variation 2643537 (VCV002643537.24), dbSNP rs376433834, ClinGen allele CA6865563.

ClinVar aggregate classification (germline): Likely benign (1 of 4 stars; one submission).

Allele frequency attached by ClinVar (database versions not stated): ExAC 0.00010; ESP Exome Variant Server 0.00018; gnomAD 0.00023; TOPMed 0.00026; gnomAD exomes 0.00039.
gnomAD v4.1: 580 of 1,551,210 alleles (0.037%); highest among the groups gnomAD compares: Non-Finnish European, 0.048%; no homozygotes.

Submission:

CeGaT Center for Human Genetics Tuebingen
Classification: Likely benign. Last evaluated: 2024-02-01. Review status: criteria provided, single submitter. Criteria: CeGaT Center For Human Genetics Tuebingen Variant Classification Criteria Version 2. Collection method: clinical testing. Allele origin: germline. Affected: yes. Observed: 2 variant alleles.
Comment: DNAH10: BP4, BP7